The following is an entry in ClinVar:

ClinVar aggregate classification (germline): Uncertain significance (1 of 4 stars; one submission).

Conditions:
Perlman syndrome (PRLMNS). Identifiers: Orphanet 2849, MedGen C0796113, MONDO:0009965, OMIM 267000.

Allele frequency attached by ClinVar (database versions not stated): gnomAD exomes below 0.00001.
gnomAD v4.1: 1 of 1,611,476 alleles (0.000062%); highest among the groups gnomAD compares: Non-Finnish European, 0.000085%; no homozygotes.

Submission:

Labcorp Genetics (formerly Invitae), Labcorp
Classification: Uncertain significance for Perlman syndrome. Last evaluated: 2022-10-31. Review status: criteria provided, single submitter. Criteria: Invitae Variant Classification Sherloc (09022015). Collection method: clinical testing. Allele origin: germline.
Comment: This variant has not been reported in the literature in individuals affected with DIS3L2-related conditions. This variant is not present in population databases (gnomAD no frequency). This sequence change replaces leucine, which is neutral and non-polar, with isoleucine, which is neutral and non-polar, at codon 116 of the DIS3L2 protein (p.Leu116Ile). In summary, the available evidence is currently insufficient to determine the role of this variant in disease. Therefore, it has been classified as a Variant of Uncertain Significance. Advanced modeling of protein sequence and biophysical properties (such as structural, functional, and spatial information, amino acid conservation, physicochemical variation, residue mobility, and thermodynamic stability) performed at Invitae indicates that this missense variant is not expected to disrupt DIS3L2 protein function. ClinVar contains an entry for this variant (Variation ID: 1382112).

NM_152383.5(DIS3L2):c.346C>A (p.Leu116Ile)

Gene: DIS3L2 (DIS3 like 3'-5' exoribonuclease 2; plus strand). Cytogenetic location: 2q37.1.
Variant type: single nucleotide variant.
Coding change: c.346C>A on transcript NM_152383.5 (MANE Select); coding-DNA position 346, C replaced by A.
Protein change: p.Leu116Ile; replaces leucine 116 with isoleucine.
Molecular consequence: missense variant. On other transcripts: non-coding transcript variant (2).
Genome position (GRCh38, 1-based): chr2:232,030,060, C>A. VCF-style: chr2-232030060-C-A. GRCh37 (hg19) VCF-style: chr2-232894770-C-A.
Other names: c.346C>A, p.Leu116Ile (NM_001257281.2, NM_001257282.2); short protein forms L116I.
Identifiers: ClinVar variation 1382112 (VCV001382112.8), dbSNP rs2106239853, ClinGen allele CA351153009.
Genomic context (GRCh38, chr2:232,030,060, plus strand): 5'-ATTGATGGGGTTGTTGCTCGTAATAGAGCCTTAAATGGGGATCTGGTGGTCGTGAAACTG[C>A]TTCCCGAGGAGCATTGGAAGGTGAGTTAAGTTTTCCCTTTCTAATTACAGATTTCTTAGG-3'
Protein context (NP_689596.4, residues 106-126): LNGDLVVVKL[Leu116Ile]PEEHWKVVKP